The following is an entry in ClinVar:

NM_033163.5(FGF8):c.157-1G>A

Gene: FGF8 (fibroblast growth factor 8; minus strand). Cytogenetic location: 10q24.32.
Variant type: single nucleotide variant.
Coding change: c.157-1G>A on transcript NM_033163.5 (MANE Select); the canonical splice acceptor site of the intron before coding-DNA position 157, G replaced by A.
Molecular consequence: splice acceptor variant. On other transcripts: intron variant (3).
Genome position (GRCh38, 1-based): chr10:101,774,913, C>T on the plus strand (G>A on the coding strand, the complement: FGF8 is on the minus strand). VCF-style: chr10-101774913-C-T. GRCh37 (hg19) VCF-style: chr10-103534670-C-T.
Other names: c.-123-34G>A (NM_001206389.2); c.70-34G>A (NM_033165.5); c.70-1G>A (NM_006119.6); c.157-34G>A (NM_033164.4).
Identifiers: ClinVar variation 545413 (VCV000545413.4), dbSNP rs1554834892, ClinGen allele CA377837699.

ClinVar aggregate classification (germline): Likely pathogenic. Review status: criteria provided, multiple submitters, no conflicts (2 of 4 stars). 2 submissions from 2 submitters: Likely pathogenic (2). Last evaluated 2025-01-29.

Conditions:
Holoprosencephaly sequence (HPE). Also called: Holoprosencephaly. Identifiers: Orphanet 2162, MedGen C0079541, MONDO:0016296, HP:0001360.

Allele frequency attached by ClinVar (database versions not stated): gnomAD exomes below 0.00001.
gnomAD v4.1: 1 of 1,613,940 alleles (0.000062%); highest among the groups gnomAD compares: Non-Finnish European, 0.000085%; no homozygotes.

Submissions (2):

GeneDx
Classification: Likely pathogenic. Last evaluated: 2025-01-29. Review status: criteria provided, single submitter. Criteria: GeneDx Variant Classification Process June 2021. Collection method: clinical testing. Allele origin: germline. Affected: yes.
Comment: Reported in a patient with holoprosencephaly in the published literature who also had variants in other genes that may have been responsible for the phenotype (PMID: 29992659); Canonical splice site variant predicted to result in a null allele in a gene for which loss of function is a known mechanism of disease; Not observed at significant frequency in large population cohorts (gnomAD); This variant is associated with the following publications: (PMID: 29992659)

Muenke lab, National Institutes of Health
Classification: Likely pathogenic for Holoprosencephaly sequence. Last evaluated: 2018-04-19. Review status: criteria provided, single submitter. Criteria: Submitter's publication. Collection method: research. Allele origin: not applicable. Inheritance: Autosomal dominant inheritance.
Comment: Compatible clinical presentation with ACMG criteria:PVS1;PM2;PP3;PP6.